The following is an entry in ClinVar:

NM_001083961.2(WDR62):c.577G>A (p.Ala193Thr)

Gene: WDR62 (WD repeat domain 62; plus strand). Cytogenetic location: 19q13.12.
Variant type: single nucleotide variant.
Coding change: c.577G>A on transcript NM_001083961.2 (MANE Select); coding-DNA position 577, G replaced by A.
Protein change: p.Ala193Thr; replaces alanine 193 with threonine.
Molecular consequence: missense variant.
Genome position (GRCh38, 1-based): chr19:36,067,321, G>A. VCF-style: chr19-36067321-G-A. GRCh37 (hg19) VCF-style: chr19-36558223-G-A.
Other names: c.577G>A, p.Ala193Thr (NM_001411145.1, NM_001411146.1, NM_001411147.1 and 1 more transcripts); short protein forms A193T.
Identifiers: ClinVar variation 2629465 (VCV002629465.2), dbSNP rs773932461, ClinGen allele CA9395338.

ClinVar aggregate classification (germline): Uncertain significance (1 of 4 stars; one submission).

Conditions:
WDR62-related disorder. Also called: WDR62-related condition.

Allele frequency attached by ClinVar (database versions not stated): ExAC 0.00001; gnomAD exomes 0.00001.
gnomAD v4.1: 13 of 1,614,178 alleles (0.00081%); highest among the groups gnomAD compares: Non-Finnish European, 0.0011%; no homozygotes.

Submission:

PreventionGenetics, part of Exact Sciences
Classification: Uncertain significance for WDR62-related condition. Last evaluated: 2025-12-08. Review status: criteria provided, single submitter. Criteria: ACMG Guidelines, 2015. Collection method: clinical testing. Allele origin: germline.
Comment: The WDR62 c.577G>A variant is predicted to result in the amino acid substitution p.Ala193Thr. To our knowledge, this variant has not been reported in the literature. This variant is reported in 0.00088% of alleles in individuals of European (Non-Finnish) descent in gnomAD. At this time, the clinical significance of this variant is uncertain due to the absence of conclusive functional and genetic evidence.